The following is an entry in ClinVar:

ClinVar aggregate classification (germline): Uncertain significance (1 of 4 stars; one submission).

Conditions:
Langer mesomelic dysplasia syndrome (LMD). Also called: Langer mesomelic dysplasia; DYSCHONDROSTEOSIS, HOMOZYGOUS. Identifiers: Orphanet 2632, MedGen C0432230, MONDO:0009588, OMIM 249700.

gnomAD v4.1: 1 of 1,613,392 alleles (0.000062%); highest among the groups gnomAD compares: East Asian, 0.0022%; no homozygotes.

Submission:

Baylor Genetics
Classification: Uncertain significance for Langer mesomelic dysplasia syndrome. Last evaluated: 2018-05-08. Review status: criteria provided, single submitter. Criteria: ACMG Guidelines, 2015. Collection method: clinical testing. Allele origin: maternal. Affected: yes.
Comment: This variant was determined to be of uncertain significance according to ACMG Guidelines, 2015 [PMID:25741868].

NM_000451.4(SHOX):c.389A>C (p.Asn130Thr)

Genes: SHOX (SHOX homeobox; plus strand), LOC107652445 (meiotic recombination hotspot SHOX; plus strand). Cytogenetic location: Xp22.33.
Variant type: single nucleotide variant.
Coding change: c.389A>C on transcript NM_000451.4 (MANE Select); coding-DNA position 389, A replaced by C.
Protein change: p.Asn130Thr; replaces asparagine 130 with threonine.
Molecular consequence: missense variant.
Genome position (GRCh38, 1-based): chrX:634,729, A>C. VCF-style: chrX-634729-A-C. GRCh37 (hg19) VCF-style: chrX-595464-A-C.
Other names: c.389A>C, p.Asn130Thr (NM_006883.2); short protein forms N130T.
Identifiers: ClinVar variation 1034222 (VCV001034222.1), dbSNP rs2052712369, ClinGen allele CA412231387.